The following is an entry in ClinVar:

ClinVar aggregate classification (germline): Uncertain significance. Review status: reviewed by expert panel (3 of 4 stars). 3 submissions from 3 submitters: Uncertain significance (1). 2 of the submissions do not count toward it. Last evaluated 2020-01-26.

Conditions:
Phenylketonuria (PKU). Also called: FOLLING DISEASE; OLIGOPHRENIA PHENYLPYRUVICA; Phenylketonuria (PKU); Phenylketonurias. Identifiers: Orphanet 716, MedGen C0031485, MONDO:0009861, OMIM 261600. Disease mechanism: loss of function.

Allele frequency attached by ClinVar (database versions not stated): TOPMed 0.00007; gnomAD exomes 0.00002 and 0.00004; gnomAD 0.00004; ExAC 0.00002; ESP Exome Variant Server 0.00008.
gnomAD v4.1: 64 of 1,613,552 alleles (0.004%); highest among the groups gnomAD compares: Non-Finnish European, 0.005%; no homozygotes.

Submissions (3):

ClinGen PAH Variant Curation Expert Panel
Classification: Uncertain significance for Phenylketonuria. Last evaluated: 2020-01-26. Review status: reviewed by expert panel. Criteria: ClinGen PAH ACMG Specifications v1. Collection method: curation. Allele origin: germline. Inheritance: Autosomal recessive inheritance.
Comment: The c.1002C>T (p.Cys334=) variant in PAH has not been reported in the literature to our knowledge. This variant has an extremely low frequency in ExAC, gnomAD, and ESP (MAF=0.00004). Multiple lines of computational evidence are conflicting regarding splicing impact (Potential alteration of splicing in HSF, TraP=0.058). In summary, this variant meets criteria to be classified as uncertain significance for PAH. PAH-specific ACMG/AMP criteria applied: PM2.

Labcorp Genetics (formerly Invitae), Labcorp
Classification: Likely benign for Phenylketonuria. Last evaluated: 2025-03-11. Review status: criteria provided, single submitter. Criteria: Invitae Variant Classification Sherloc (09022015). Collection method: clinical testing. Allele origin: germline. Not counted in ClinVar's aggregate classification.

Eurofins Ntd Llc (ga)
Classification: Uncertain significance. Last evaluated: 2016-03-03. Review status: criteria provided, single submitter. Criteria: EGL Classification Definitions 2015. Collection method: clinical testing. Allele origin: germline. Observed: 1 variant allele, 1 heterozygote. Not counted in ClinVar's aggregate classification.

NM_000277.3(PAH):c.1002C>T (p.Cys334=)

Gene: PAH (phenylalanine hydroxylase; minus strand). Cytogenetic location: 12q23.2.
Variant type: single nucleotide variant.
Coding change: c.1002C>T on transcript NM_000277.3 (MANE Select); coding-DNA position 1002, C replaced by T.
Protein change: p.Cys334=; no amino-acid change (cysteine 334 retained).
Molecular consequence: synonymous variant.
Genome position (GRCh38, 1-based): chr12:102,844,399, G>A on the plus strand (C>T on the coding strand, the complement: PAH is on the minus strand). VCF-style: chr12-102844399-G-A. GRCh37 (hg19) VCF-style: chr12-103238177-G-A.
Other names: c.1002C>T, p.Cys334= (NM_001354304.2).
Identifiers: ClinVar variation 286662 (VCV000286662.14), dbSNP rs140243918, ClinGen allele CA6748769.